The following is an entry in ClinVar:

NM_000271.5(NPC1):c.57+7G>A

Gene: NPC1 (NPC intracellular cholesterol transporter 1; minus strand). Cytogenetic location: 18q11.2.
Variant type: single nucleotide variant.
Coding change: c.57+7G>A on transcript NM_000271.5 (MANE Select); 7 bases into the intron after coding-DNA position 57, G replaced by A.
Molecular consequence: intron variant.
Genome position (GRCh38, 1-based): chr18:23,586,280, C>T on the plus strand (G>A on the coding strand, the complement: NPC1 is on the minus strand). VCF-style: chr18-23586280-C-T. GRCh37 (hg19) VCF-style: chr18-21166244-C-T.
Other names: c.57+7G>A (NM_000271.4).
Identifiers: ClinVar variation 284550 (VCV000284550.15), dbSNP rs886042901, ClinGen allele CA10604836.

ClinVar aggregate classification (germline): Conflicting classifications of pathogenicity. Review status: criteria provided, conflicting classifications (1 of 4 stars). 3 submissions from 3 submitters: Uncertain significance (1); Likely benign (1). 1 of the submissions does not count toward it. Last evaluated 2026-01-20.

Conditions:
NPC1-related disorder. Also called: NPC1-related condition.
Niemann-Pick disease, type C1. Also called: NIEMANN-PICK DISEASE, VARIANT TYPE C1; NEUROVISCERAL STORAGE DISEASE WITH VERTICAL SUPRANUCLEAR OPHTHALMOPLEGIA; NIEMANN-PICK DISEASE WITH CHOLESTEROL ESTERIFICATION BLOCK; NIEMANN-PICK DISEASE WITHOUT SPHINGOMYELINASE DEFICIENCY; NIEMANN-PICK DISEASE, CHRONIC NEURONOPATHIC FORM. Identifiers: Orphanet 646, MedGen C3179455, MONDO:0009757, OMIM 257220.

Allele frequency attached by ClinVar (database versions not stated): gnomAD exomes below 0.00001 and 0.00001.
gnomAD v4.1: 10 of 1,532,366 alleles (0.00065%); highest among the groups gnomAD compares: African/African-American, 0.0055%; no homozygotes.

Submissions (3):

Labcorp Genetics (formerly Invitae), Labcorp
Classification: Likely benign for Niemann-Pick disease, type C1. Last evaluated: 2026-01-20. Review status: criteria provided, single submitter. Criteria: Invitae Variant Classification Sherloc (09022015). Collection method: clinical testing. Allele origin: germline.

Eurofins Ntd Llc (ga)
Classification: Uncertain significance. Last evaluated: 2015-11-23. Review status: criteria provided, single submitter. Criteria: EGL Classification Definitions 2015. Collection method: clinical testing. Allele origin: germline. Observed: 1 variant allele.

PreventionGenetics, part of Exact Sciences
Classification: Likely benign for NPC1-related condition. Last evaluated: 2022-05-27. Review status: no assertion criteria provided. Collection method: clinical testing. Allele origin: germline. Not counted in ClinVar's aggregate classification.
Comment: This variant is classified as likely benign based on ACMG/AMP sequence variant interpretation guidelines (Richards et al. 2015 PMID: 25741868, with internal and published modifications).